The following is an entry in ClinVar:

NM_002860.4(ALDH18A1):c.453G>A (p.Met151Ile)

Gene: ALDH18A1 (aldehyde dehydrogenase 18 family member A1; minus strand). Cytogenetic location: 10q24.1.
Variant type: single nucleotide variant.
Coding change: c.453G>A on transcript NM_002860.4 (MANE Select); coding-DNA position 453, G replaced by A.
Protein change: p.Met151Ile; replaces methionine 151 with isoleucine.
Molecular consequence: missense variant. On other transcripts: intron variant (1).
Genome position (GRCh38, 1-based): chr10:95,637,287, C>T on the plus strand (G>A on the coding strand, the complement: ALDH18A1 is on the minus strand). VCF-style: chr10-95637287-C-T. GRCh37 (hg19) VCF-style: chr10-97397044-C-T.
Other names: c.453G>A, p.Met151Ile (NM_001017423.2, NM_001323413.2, NM_001323414.2 and 2 more transcripts); c.120G>A, p.Met40Ile (NM_001323412.2, NM_001323416.2, NM_001323418.2); c.-78-3638G>A (NM_001323419.2); short protein forms M151I, M40I.
Identifiers: ClinVar variation 2633412 (VCV002633412.1), dbSNP rs2097882592, ClinGen allele CA377706588.

ClinVar aggregate classification (germline): Uncertain significance (1 of 4 stars; one submission).

Conditions:
ALDH18A1-related disorder. Also called: ALDH18A1-related disorders.

Allele frequency attached by ClinVar (database versions not stated): gnomAD exomes below 0.00001.

Submission:

PreventionGenetics, part of Exact Sciences
Classification: Uncertain significance for ALDH18A1-related condition. Last evaluated: 2023-03-21. Review status: criteria provided, single submitter. Criteria: ACMG Guidelines, 2015. Collection method: clinical testing. Allele origin: germline.
Comment: The ALDH18A1 c.453G>A variant is predicted to result in the amino acid substitution p.Met151Ile. To our knowledge, this variant has not been reported in the literature or in a large population database, indicating this variant is rare. At this time, the clinical significance of this variant is uncertain due to the absence of conclusive functional and genetic evidence.